The following is an entry in ClinVar:

NM_002609.4(PDGFRB):c.2794G>C (p.Glu932Gln)

Gene: PDGFRB (platelet derived growth factor receptor beta; minus strand). Cytogenetic location: 5q32.
Variant type: single nucleotide variant.
Coding change: c.2794G>C on transcript NM_002609.4 (MANE Select); coding-DNA position 2794, G replaced by C.
Protein change: p.Glu932Gln; replaces glutamic acid 932 with glutamine.
Molecular consequence: missense variant.
Genome position (GRCh38, 1-based): chr5:150,119,471, C>G on the plus strand (G>C on the coding strand, the complement: PDGFRB is on the minus strand). VCF-style: chr5-150119471-C-G. GRCh37 (hg19) VCF-style: chr5-149499034-C-G.
Other names: c.2602G>C, p.Glu868Gln (NM_001355016.2); c.2311G>C, p.Glu771Gln (NM_001355017.2); short protein forms E771Q, E868Q, E932Q.
Identifiers: ClinVar variation 4074475 (VCV004074475.1).

ClinVar aggregate classification (germline): Uncertain significance (1 of 4 stars; one submission).

Submission:

GeneDx
Classification: Uncertain significance. Last evaluated: 2025-02-05. Review status: criteria provided, single submitter. Criteria: GeneDx Variant Classification Process June 2021. Collection method: clinical testing. Allele origin: germline. Affected: yes.
Comment: Not observed at significant frequency in large population cohorts (gnomAD); In silico analysis indicates that this missense variant does not alter protein structure/function; Has not been previously published as pathogenic or benign to our knowledge